The following is an entry in ClinVar:

ClinVar aggregate classification (germline): Likely benign. Review status: criteria provided, multiple submitters, no conflicts (2 of 4 stars). 3 submissions from 3 submitters: Likely benign (2). 1 of the submissions does not count toward it. Last evaluated 2025-10-18.

Conditions:
TREM2-related disorder. Also called: TREM2-related condition.

Allele frequency attached by ClinVar (database versions not stated): TOPMed below 0.00001; gnomAD exomes 0.00001; ExAC 0.00002.
gnomAD v4.1: 7 of 1,614,014 alleles (0.00043%); highest among the groups gnomAD compares: Non-Finnish European, 0.00059%; no homozygotes.

Submissions (3):

Labcorp Genetics (formerly Invitae), Labcorp
Classification: Likely benign. Last evaluated: 2025-10-18. Review status: criteria provided, single submitter. Criteria: Invitae Variant Classification Sherloc (09022015). Collection method: clinical testing. Allele origin: germline.

Blueprint Genetics
Classification: Likely benign. Last evaluated: 2024-11-14. Review status: criteria provided, single submitter. Criteria: ACMG Guidelines, 2015. Collection method: clinical testing. Allele origin: germline.

PreventionGenetics, part of Exact Sciences
Classification: Likely benign for TREM2-related condition. Last evaluated: 2024-05-14. Review status: no assertion criteria provided. Collection method: clinical testing. Allele origin: germline. Not counted in ClinVar's aggregate classification.
Comment: This variant is classified as likely benign based on ACMG/AMP sequence variant interpretation guidelines (Richards et al. 2015 PMID: 25741868, with internal and published modifications).

NM_018965.4(TREM2):c.417A>C (p.Gly139=)

Gene: TREM2 (triggering receptor expressed on myeloid cells 2; minus strand). Cytogenetic location: 6p21.1.
Variant type: single nucleotide variant.
Coding change: c.417A>C on transcript NM_018965.4 (MANE Select); coding-DNA position 417, A replaced by C.
Protein change: p.Gly139=; no amino-acid change (glycine 139 retained).
Molecular consequence: synonymous variant.
Genome position (GRCh38, 1-based): chr6:41,159,857, T>G on the plus strand (A>C on the coding strand, the complement: TREM2 is on the minus strand). VCF-style: chr6-41159857-T-G. GRCh37 (hg19) VCF-style: chr6-41127595-T-G.
Other names: c.417A>C, p.Gly139= (NM_001271821.2).
Identifiers: ClinVar variation 3050499 (VCV003050499.5), dbSNP rs747924604, ClinGen allele CA3798887.